The following is an entry in ClinVar:

NM_032447.5(FBN3):c.4056C>T (p.Gly1352=)

Gene: FBN3 (fibrillin 3; minus strand). Cytogenetic location: 19p13.2.
Variant type: single nucleotide variant.
Coding change: c.4056C>T on transcript NM_032447.5 (MANE Select); coding-DNA position 4056, C replaced by T.
Protein change: p.Gly1352=; no amino-acid change (glycine 1352 retained).
Molecular consequence: synonymous variant.
Genome position (GRCh38, 1-based): chr19:8,111,676, G>A on the plus strand (C>T on the coding strand, the complement: FBN3 is on the minus strand). VCF-style: chr19-8111676-G-A. GRCh37 (hg19) VCF-style: chr19-8176560-G-A.
Other names: c.4056C>T (NM_001321431.1); c.4056C>T, p.Gly1352= (NM_001321431.2).
Identifiers: ClinVar variation 783073 (VCV000783073.35), dbSNP rs138217583, ClinGen allele CA9152213.

ClinVar aggregate classification (germline): Benign/Likely benign. Review status: criteria provided, multiple submitters, no conflicts (2 of 4 stars). 4 submissions from 4 submitters: Benign (2); Likely benign (1). 1 of the submissions does not count toward it. Last evaluated 2026-01-27.

Conditions:
FBN3-related disorder. Also called: FBN3-related condition.

Allele frequency attached by ClinVar (database versions not stated): 1000 Genomes Project 0.00080; 1000 Genomes Project 30x 0.00094; ESP Exome Variant Server 0.00177; TOPMed 0.00191; gnomAD 0.00198 and 0.00204; ExAC 0.00221; gnomAD exomes 0.00228 and 0.00430.
gnomAD v4.1: 6,006 of 1,478,086 alleles (0.41%); highest among the groups gnomAD compares: Non-Finnish European, 0.5%; 25 homozygotes.

Submissions (4):

Labcorp Genetics (formerly Invitae), Labcorp
Classification: Benign. Last evaluated: 2026-01-27. Review status: criteria provided, single submitter. Criteria: Invitae Variant Classification Sherloc (09022015). Collection method: clinical testing. Allele origin: germline.

CeGaT Center for Human Genetics Tuebingen
Classification: Likely benign. Last evaluated: 2022-11-01. Review status: criteria provided, single submitter. Criteria: CeGaT Center For Human Genetics Tuebingen Variant Classification Criteria Version 2. Collection method: clinical testing. Allele origin: germline. Affected: yes. Observed: 1 variant allele.
Comment: FBN3: BP4, BP7, BS2

Breakthrough Genomics
Classification: Benign. Review status: criteria provided, single submitter. Criteria: ACMG Guidelines, 2015. Collection method: not provided. Allele origin: germline. Inheritance: Unknown mechanism. Affected: yes.

PreventionGenetics, part of Exact Sciences
Classification: Likely benign for FBN3-related condition. Last evaluated: 2019-05-08. Review status: no assertion criteria provided. Collection method: clinical testing. Allele origin: germline. Not counted in ClinVar's aggregate classification.
Comment: This variant is classified as likely benign based on ACMG/AMP sequence variant interpretation guidelines (Richards et al. 2015 PMID: 25741868, with internal and published modifications).